The following is an entry in ClinVar:

ClinVar aggregate classification (germline): Likely pathogenic (1 of 4 stars; one submission).

Conditions:
PKD1-Biallelic Autosomal Recessive Polycystic Kidney Disease.

Submission:

Women's Health and Genetics/Laboratory Corporation of America, LabCorp
Classification: Likely pathogenic for PKD1-Biallelic Autosomal Recessive Polycystic Kidney Disease. Last evaluated: 2025-04-08. Review status: criteria provided, single submitter. Criteria: LabCorp Variant Classification Summary - May 2015. Collection method: clinical testing. Allele origin: germline.
Comment: Variant summary: PKD1 c.1202-2_1202delAGC is located in a canonical splice-site and is predicted to affect mRNA splicing resulting in a significantly altered protein due to either exon skipping, shortening, or inclusion of intronic material. Variants that disrupt the consensus splice site are a relatively common cause of aberrant splicing and loss of PKD1 function. Several computational tools predict a significant impact on normal splicing: Four predict the variant abolishes a 3' acceptor site. However, these predictions have yet to be confirmed by functional studies. The variant was absent in 1608452 control chromosomes. To our knowledge, no occurrence of c.1202-2_1202delAGC in individuals affected with PKD1-Biallelic Autosomal Recessive Polycystic Kidney Disease and no experimental evidence demonstrating its impact on protein function have been reported. No submitters have cited clinical-significance assessments for this variant to ClinVar. Based on the evidence outlined above, the variant was classified as likely pathogenic.

NM_001009944.3(PKD1):c.1202-2_1202del

Gene: PKD1 (polycystin 1, transient receptor potential channel interacting; minus strand). Cytogenetic location: 16p13.3.
Variant type: Deletion.
Coding change: c.1202-2_1202del on transcript NM_001009944.3 (MANE Select); the canonical splice acceptor site of the intron before coding-DNA position 1202 through coding-DNA position 1202, 3 bases deleted (AGC; older notation c.1202-2_1202delAGC).
Molecular consequence: splice acceptor variant.
Genome position (GRCh38, 1-based): chr16:2,117,672-2,117,674, GCT deleted on the plus strand (AGC on the coding strand, the reverse complement: PKD1 is on the minus strand); deleting any 3 consecutive bases within chr16:2,117,672-2,117,675 gives the same sequence; the c. name uses the placement nearest the transcript's 3' end. VCF-style (leftmost placement, unchanged base first): chr16-2117671-CGCT-C. GRCh37 (hg19) VCF-style: chr16-2167672-CGCT-C.
Other names: c.1202-2_1202del (NM_000296.4); c.1202-2_1202delAGC (NM_001009944.3).
Identifiers: ClinVar variation 3896418 (VCV003896418.2).